The following is an entry in ClinVar:

ClinVar aggregate classification (germline): Likely benign (0 of 4 stars; one submission).

Conditions:
CHD1-related disorder. Also called: CHD1-related condition.

Allele frequency attached by ClinVar (database versions not stated): gnomAD 0.00002; gnomAD exomes 0.00003; ExAC 0.00012; 1000 Genomes Project 30x 0.00031; 1000 Genomes Project 0.00040.
gnomAD v4.1: 47 of 1,579,162 alleles (0.003%); highest among the groups gnomAD compares: South Asian, 0.055%; no homozygotes.

Submission:

PreventionGenetics, part of Exact Sciences
Classification: Likely benign for CHD1-related condition. Last evaluated: 2022-05-10. Review status: no assertion criteria provided. Collection method: clinical testing. Allele origin: germline.
Comment: This variant is classified as likely benign based on ACMG/AMP sequence variant interpretation guidelines (Richards et al. 2015 PMID: 25741868, with internal and published modifications).

NM_001270.4(CHD1):c.4535A>G (p.Asp1512Gly)

Gene: CHD1 (chromodomain helicase DNA binding protein 1; minus strand). Cytogenetic location: 5q15.
Variant type: single nucleotide variant.
Coding change: c.4535A>G on transcript NM_001270.4 (MANE Select); coding-DNA position 4535, A replaced by G.
Protein change: p.Asp1512Gly; replaces aspartic acid 1512 with glycine.
Molecular consequence: missense variant. On other transcripts: non-coding transcript variant (2).
Genome position (GRCh38, 1-based): chr5:98,859,005, T>C on the plus strand (A>G on the coding strand, the complement: CHD1 is on the minus strand). VCF-style: chr5-98859005-T-C. GRCh37 (hg19) VCF-style: chr5-98194709-T-C.
Other names: c.4799A>G, p.Asp1600Gly (NM_001364113.3); c.4535A>G, p.Asp1512Gly (NM_001376194.2); short protein forms D1512G, D1600G.
Identifiers: ClinVar variation 3058813 (VCV003058813.2), dbSNP rs553111541, ClinGen allele CA3355653.